The following is an entry in ClinVar:

NM_032119.4(ADGRV1):c.2357A>G (p.Tyr786Cys)

Gene: ADGRV1 (adhesion G protein-coupled receptor V1; plus strand). Cytogenetic location: 5q14.3.
Variant type: single nucleotide variant.
Coding change: c.2357A>G on transcript NM_032119.4 (MANE Select); coding-DNA position 2357, A replaced by G.
Protein change: p.Tyr786Cys; replaces tyrosine 786 with cysteine.
Molecular consequence: missense variant. On other transcripts: non-coding transcript variant (1).
Genome position (GRCh38, 1-based): chr5:90,642,752, A>G. VCF-style: chr5-90642752-A-G. GRCh37 (hg19) VCF-style: chr5-89938569-A-G.
Other names: short protein forms Y786C.
Identifiers: ClinVar variation 1471207 (VCV001471207.1), dbSNP rs377131400, ClinGen allele CA360387597.
Genomic context (GRCh38, chr5:90,642,752, plus strand): 5'-TTTTGGAAAATGATGACCCTGGGGGAGTTTTTGAATTTTCTCCTGCTTCCAGAGGACCCT[A>G]TGTTATAAAAGTAAGTACGAAAAAAACTTCCATTTATTCTGTGCTCACAACTTTAGAAGA-3'
Protein context (NP_115495.3, residues 776-796): FEFSPASRGP[Tyr786Cys]VIKEGESVEL

ClinVar aggregate classification (germline): Uncertain significance (1 of 4 stars; one submission).

gnomAD v4.1: 1 of 1,612,254 alleles (0.000062%); highest among the groups gnomAD compares: Non-Finnish European, 0.000085%; no homozygotes.

Submission:

Labcorp Genetics (formerly Invitae), Labcorp
Classification: Uncertain significance. Last evaluated: 2021-08-02. Review status: criteria provided, single submitter. Criteria: Invitae Variant Classification Sherloc (09022015). Collection method: clinical testing. Allele origin: germline.
Comment: This sequence change replaces tyrosine with cysteine at codon 786 of the ADGRV1 protein (p.Tyr786Cys). The tyrosine residue is moderately conserved and there is a large physicochemical difference between tyrosine and cysteine. This variant is not present in population databases (ExAC no frequency). This variant has not been reported in the literature in individuals affected with ADGRV1-related conditions. Algorithms developed to predict the effect of missense changes on protein structure and function are either unavailable or do not agree on the potential impact of this missense change (SIFT: "Deleterious"; PolyPhen-2: "Probably Damaging"; Align-GVGD: "Class C0"). In summary, the available evidence is currently insufficient to determine the role of this variant in disease. Therefore, it has been classified as a Variant of Uncertain Significance.